The following is an entry in ClinVar:

ClinVar aggregate classification (germline): Likely benign. Review status: criteria provided, multiple submitters, no conflicts (2 of 4 stars). 2 submissions from 2 submitters: Likely benign (2). Last evaluated 2024-11-27.

Conditions:
Neuromuscular disease caused by qualitative or quantitative defects of dysferlin. Also called: Dysferlinopathy; Qualitative or quantitative defects of dysferlin. Identifiers: Orphanet 207073, MedGen C2931687, MONDO:0016145.

Allele frequency attached by ClinVar (database versions not stated): gnomAD 0.00001; gnomAD exomes 0.00001 and 0.00002; TOPMed 0.00002.
gnomAD v4.1: 22 of 1,515,410 alleles (0.0015%); highest among the groups gnomAD compares: Admixed American, 0.002%; no homozygotes.

Submissions (2):

Labcorp Genetics (formerly Invitae), Labcorp
Classification: Likely benign for Neuromuscular disease caused by qualitative or quantitative defects of dysferlin. Last evaluated: 2024-11-27. Review status: criteria provided, single submitter. Criteria: Invitae Variant Classification Sherloc (09022015). Collection method: clinical testing. Allele origin: germline.

GeneDx
Classification: Likely benign. Last evaluated: 2018-05-18. Review status: criteria provided, single submitter. Criteria: GeneDx Variant Classification (06012015). Collection method: clinical testing. Allele origin: germline. Affected: yes.
Comment: This variant is considered likely benign or benign based on one or more of the following criteria: it is a conservative change, it occurs at a poorly conserved position in the protein, it is predicted to be benign by multiple in silico algorithms, and/or has population frequency not consistent with disease.

NM_001130987.2(DYSF):c.460+9C>A

Gene: DYSF (dysferlin; plus strand). Cytogenetic location: 2p13.2.
Variant type: single nucleotide variant.
Coding change: c.460+9C>A on transcript NM_001130987.2 (MANE Select); 9 bases into the intron after coding-DNA position 460, C replaced by A.
Molecular consequence: intron variant.
Genome position (GRCh38, 1-based): chr2:71,511,930, C>A. VCF-style: chr2-71511930-C-A. GRCh37 (hg19) VCF-style: chr2-71739060-C-A.
Other names: c.457+9C>A (NM_001130979.2, NM_001130981.2, NM_001130980.2 and 4 more transcripts); c.460+9C>A (NM_001130982.2, NM_001130985.2, NM_001130983.2 and 3 more transcripts).
Identifiers: ClinVar variation 668474 (VCV000668474.9), dbSNP rs1052225757, ClinGen allele CA49756613.
Genomic context (GRCh38, chr2:71,511,930, plus strand): 5'-CCTACTCCTCTGGAGCCCTCCCCGACTCTGCCTGACCTGGATGTAGTGGCAGGTGGGTAG[C>A]CCACGTTGGCCTGGCTGGGCCCCAGCAAGAAGGCCGGCAGTGGCACTTGAGCCTGGGGGC-3'